The following is an entry in ClinVar:

NM_004304.5(ALK):c.4848C>G (p.Asn1616Lys)

Gene: ALK (ALK receptor tyrosine kinase; minus strand). Cytogenetic location: 2p23.2.
Variant type: single nucleotide variant.
Coding change: c.4848C>G on transcript NM_004304.5 (MANE Select); coding-DNA position 4848, C replaced by G.
Protein change: p.Asn1616Lys; replaces asparagine 1616 with lysine.
Molecular consequence: missense variant.
Genome position (GRCh38, 1-based): chr2:29,193,239, G>C on the plus strand (C>G on the coding strand, the complement: ALK is on the minus strand). VCF-style: chr2-29193239-G-C. GRCh37 (hg19) VCF-style: chr2-29416105-G-C.
Other names: c.1644C>G, p.Asn548Lys (NM_001353765.2); short protein forms N1616K, N548K.
Identifiers: ClinVar variation 4870537 (VCV004870537.1).

ClinVar aggregate classification (germline): Uncertain significance (1 of 4 stars; one submission).

Conditions:
Hereditary cancer-predisposing syndrome. Also called: Neoplastic Syndromes, Hereditary; Tumor predisposition; Hereditary Cancer Syndrome; Hereditary neoplastic syndrome. Identifiers: Orphanet 140162, MedGen C0027672, MeSH D009386, MONDO:0015356.

Submission:

Ambry Genetics
Classification: Uncertain significance for Hereditary cancer-predisposing syndrome. Last evaluated: 2026-06-08. Review status: criteria provided, single submitter. Criteria: Ambry Variant Classification Scheme 2023. Collection method: clinical testing. Allele origin: germline.
Comment: The p.N1616K variant (also known as c.4848C>G), located in coding exon 29 of the ALK gene, results from a C to G substitution at nucleotide position 4848. The asparagine at codon 1616 is replaced by lysine, an amino acid with similar properties. This amino acid position is conserved. In addition, this alteration is predicted to be tolerated by in silico analysis. Based on the available evidence, the clinical significance of this variant remains unclear.